The following is an entry in ClinVar:

ClinVar aggregate classification (germline): Likely benign (0 of 4 stars; one submission).

Conditions:
ATP2A3-related disorder. Also called: ATP2A3-related condition.

Allele frequency attached by ClinVar (database versions not stated): gnomAD exomes 0.00003; ExAC 0.00012; 1000 Genomes Project 30x 0.00016; 1000 Genomes Project 0.00020; gnomAD 0.00029; ESP Exome Variant Server 0.00031; TOPMed 0.00039.
gnomAD v4.1: 95 of 1,612,408 alleles (0.0059%); highest among the groups gnomAD compares: African/African-American, 0.11%; no homozygotes.

Submission:

PreventionGenetics, part of Exact Sciences
Classification: Likely benign for ATP2A3-related condition. Last evaluated: 2019-02-21. Review status: no assertion criteria provided. Collection method: clinical testing. Allele origin: germline.
Comment: This variant is classified as likely benign based on ACMG/AMP sequence variant interpretation guidelines (Richards et al. 2015 PMID: 25741868, with internal and published modifications).

NM_005173.4(ATP2A3):c.1420-4G>A

Gene: ATP2A3 (ATPase sarcoplasmic/endoplasmic reticulum Ca2+ transporting 3; minus strand). Cytogenetic location: 17p13.2.
Variant type: single nucleotide variant.
Coding change: c.1420-4G>A on transcript NM_005173.4 (MANE Select); 4 bases into the intron before coding-DNA position 1420, G replaced by A.
Molecular consequence: intron variant.
Genome position (GRCh38, 1-based): chr17:3,942,735, C>T on the plus strand (G>A on the coding strand, the complement: ATP2A3 is on the minus strand). VCF-style: chr17-3942735-C-T. GRCh37 (hg19) VCF-style: chr17-3846029-C-T.
Other names: c.1420-4G>A (NM_174957.3, NM_174955.3, NM_174954.3 and 3 more transcripts).
Identifiers: ClinVar variation 3051932 (VCV003051932.2), dbSNP rs375470262, ClinGen allele CA8297199.
Genomic context (GRCh38, chr17:3,942,735, plus strand): 5'-TTTCCGGTCTCGGGAGAACTCCAGGGTGAACTCCTTCCGCATCAGCTGCTTGATGACCTG[C>T]GGGGTCCAGGCAGGTCAGGGCATGAAGGACAGAGCCAGCAACTCTCGCCTGCCTTCCCAC-3'